The following is an entry in ClinVar:

ClinVar aggregate classification (germline): Uncertain significance. Review status: criteria provided, multiple submitters, no conflicts (2 of 4 stars). 2 submissions from 2 submitters: Uncertain significance (2). Last evaluated 2024-06-17.

Conditions:
Polycystic kidney disease, adult type (PKD1). Also called: POLYCYSTIC KIDNEY DISEASE, ADULT, TYPE I; Polycystic Kidney Disease 1, Autosomal Dominant; Polycystic kidney disease 1; Polycystic kidney disease 1, severe; POLYCYSTIC KIDNEY DISEASE 1 WITH OR WITHOUT POLYCYSTIC LIVER DISEASE; Polycystic Kidney, Autosomal Dominant. Identifiers: MedGen C3149841, MONDO:0008263, OMIM 173900.

Submissions (2):

Fulgent Genetics
Classification: Uncertain significance for Polycystic kidney disease, adult type. Last evaluated: 2024-06-17. Review status: criteria provided, single submitter. Criteria: ACMG Guidelines, 2015. Collection method: clinical testing. Allele origin: germline.

CeGaT Center for Human Genetics Tuebingen
Classification: Uncertain significance. Last evaluated: 2022-10-01. Review status: criteria provided, single submitter. Criteria: CeGaT Center For Human Genetics Tuebingen Variant Classification Criteria Version 2. Collection method: clinical testing. Allele origin: germline. Affected: yes. Observed: 1 variant allele.
Comment: PKD1: PM2, PM3:Supporting, PP4

NM_001009944.3(PKD1):c.3560A>C (p.Tyr1187Ser)

Gene: PKD1 (polycystin 1, transient receptor potential channel interacting; minus strand). Cytogenetic location: 16p13.3.
Variant type: single nucleotide variant.
Coding change: c.3560A>C on transcript NM_001009944.3 (MANE Select); coding-DNA position 3560, A replaced by C.
Protein change: p.Tyr1187Ser; replaces tyrosine 1187 with serine.
Molecular consequence: missense variant.
Genome position (GRCh38, 1-based): chr16:2,111,607, T>G on the plus strand (A>C on the coding strand, the complement: PKD1 is on the minus strand). VCF-style: chr16-2111607-T-G. GRCh37 (hg19) VCF-style: chr16-2161608-T-G.
Other names: c.3560A>C, p.Tyr1187Ser (NM_000296.4); short protein forms Y1187S.
Identifiers: ClinVar variation 1879321 (VCV001879321.30), dbSNP rs2544829830, ClinGen allele CA394382860.